The following is an entry in ClinVar:

NM_001363118.2(SLC52A2):c.116_130+83del

Gene: SLC52A2 (solute carrier family 52 member 2; plus strand). Cytogenetic location: 8q24.3.
Variant type: Deletion.
Coding change: c.116_130+83del on transcript NM_001363118.2 (MANE Select); coding-DNA position 116 through 83 bases into the intron after coding-DNA position 130, 98 bases deleted.
Molecular consequence: splice donor variant.
Genome position (GRCh38, 1-based): chr8:144,359,409-144,359,506, 98 bases deleted. GRCh37 (hg19): chr8:145,583,069-145,583,166.
Other names: c.116_130+83del (NM_001253816.2, NM_001363121.2, NM_001363120.2 and 3 more transcripts); c.116_130+83delAAGAGCTTCCAGAGGGTGAGTGGGAGGGAGGTGCAGGTGTGCCCAAGACTCCTGGGCTGCGGTCAGTGGGATCTGGGTGGAGCTACCTGTGGTGGTCA (NM_024531.4).
Identifiers: ClinVar variation 576124 (VCV000576124.7), dbSNP rs1564653965, ClinGen allele CA891842708.

ClinVar aggregate classification (germline): Conflicting classifications of pathogenicity. Review status: criteria provided, conflicting classifications (1 of 4 stars). 2 submissions from 2 submitters: Pathogenic (1); Uncertain significance (1). Last evaluated 2021-05-05.

Conditions:
Brown-Vialetto-van Laere syndrome 2. Also called: Riboflavin transporter deficiency type 2; SPINOCEREBELLAR ATAXIA WITH BLINDNESS AND DEAFNESS 2. Identifiers: Orphanet 572543, Orphanet 97229, MedGen C3553538, MONDO:0013867, OMIM 614707.

Submissions (2):

Labcorp Genetics (formerly Invitae), Labcorp
Classification: Pathogenic for Brown-Vialetto-van Laere syndrome 2. Last evaluated: 2021-05-05. Review status: criteria provided, single submitter. Criteria: Invitae Variant Classification Sherloc (09022015). Collection method: clinical testing. Allele origin: germline.
Comment: For these reasons, this variant has been classified as Pathogenic. This variant has not been reported in the literature in individuals with SLC52A2-related conditions. ClinVar contains an entry for this variant (Variation ID: 576124). This variant is not present in population databases (ExAC no frequency). This variant results in the deletion of part of exon 2 of the SLC52A2 gene. It is expected to disrupt RNA splicing. Variants that disrupt the donor or acceptor splice site typically lead to a loss of protein function (PMID: 16199547), and loss-of-function variants in SLC52A2 are known to be pathogenic (PMID: 24253200).

GeneDx
Classification: Uncertain significance. Last evaluated: 2019-12-13. Review status: criteria provided, single submitter. Criteria: GeneDx Variant Classification Process June 2021. Collection method: clinical testing. Allele origin: germline. Affected: yes.
Comment: Not observed in large population cohorts (Lek et al., 2016); Has not been previously published as pathogenic or benign to our knowledge; In-silico analysis, which includes splice predictors and evolutionary conservation, is inconclusive as to whether the variant alters gene splicing. In the absence of RNA/functional studies, the actual effect of this sequence change is unknown.

Literature cited by the submitters: PubMed 16199547 (cited by Labcorp Genetics (formerly Invitae), Labcorp); PubMed 24253200 (cited by Labcorp Genetics (formerly Invitae), Labcorp).